The following is an entry in ClinVar:

ClinVar aggregate classification (germline): Uncertain significance (1 of 4 stars; one submission).

Conditions:
Malignant hyperthermia, susceptibility to, 5 (MHS5). Also called: CACNA1S-Related Malignant Hyperthermia Susceptibility. Identifiers: Orphanet 423, MedGen C1866077, MONDO:0011163, OMIM 601887.

Submission:

All of Us Research Program, National Institutes of Health
Classification: Uncertain significance for Malignant hyperthermia, susceptibility to, 5. Last evaluated: 2023-04-03. Review status: criteria provided, single submitter. Criteria: ACMG Guidelines, 2015. Collection method: clinical testing. Allele origin: germline. Inheritance: Autosomal dominant inheritance. Observed: 1 variant allele, 1 heterozygote.
Comment: This missense variant replaces arginine with proline at codon 1658 of the CACNA1S protein. Computational prediction suggests that this variant may not impact protein structure and function (internally defined REVEL score threshold <= 0.5, PMID: 27666373). To our knowledge, functional studies have not been reported for this variant. This variant has not been reported in individuals affected with CACNA1S-related disorders in the literature. This variant has not been identified in the general population by the Genome Aggregation Database (gnomAD). The available evidence is insufficient to determine the role of this variant in disease conclusively. Therefore, this variant is classified as a Variant of Uncertain Significance.

This study involves interpretation of variants in research participants for the purpose of population health screening. Participant phenotype was not available at the time of variant classification. Additional details can be found in publication PMID: 35346344, PMCID: PMC8962531

NM_000069.3(CACNA1S):c.4973G>C (p.Arg1658Pro)

Gene: CACNA1S (calcium voltage-gated channel subunit alpha1 S; minus strand). Cytogenetic location: 1q32.1.
Variant type: single nucleotide variant.
Coding change: c.4973G>C on transcript NM_000069.3 (MANE Select); coding-DNA position 4973, G replaced by C.
Protein change: p.Arg1658Pro; replaces arginine 1658 with proline.
Molecular consequence: missense variant.
Genome position (GRCh38, 1-based): chr1:201,043,356, C>G on the plus strand (G>C on the coding strand, the complement: CACNA1S is on the minus strand). VCF-style: chr1-201043356-C-G. GRCh37 (hg19) VCF-style: chr1-201012484-C-G.
Other names: short protein forms R1658P.
Identifiers: ClinVar variation 3070260 (VCV003070260.1), dbSNP rs13374149, ClinGen allele CA344136244.